The following is an entry in ClinVar:

NM_000069.3(CACNA1S):c.4309A>C (p.Lys1437Gln)

Gene: CACNA1S (calcium voltage-gated channel subunit alpha1 S; minus strand). Cytogenetic location: 1q32.1.
Variant type: single nucleotide variant.
Coding change: c.4309A>C on transcript NM_000069.3 (MANE Select); coding-DNA position 4309, A replaced by C.
Protein change: p.Lys1437Gln; replaces lysine 1437 with glutamine.
Molecular consequence: missense variant.
Genome position (GRCh38, 1-based): chr1:201,049,032, T>G on the plus strand (A>C on the coding strand, the complement: CACNA1S is on the minus strand). VCF-style: chr1-201049032-T-G. GRCh37 (hg19) VCF-style: chr1-201018160-T-G.
Other names: short protein forms K1437Q.
Identifiers: ClinVar variation 473995 (VCV000473995.12), dbSNP rs752196801, ClinGen allele CA083217.

ClinVar aggregate classification (germline): Conflicting classifications of pathogenicity. Review status: criteria provided, conflicting classifications (1 of 4 stars). 4 submissions from 4 submitters: Uncertain significance (3); Likely benign (1). Last evaluated 2025-10-13.

Conditions:
Inborn genetic diseases. Identifiers: MedGen C0950123, MeSH D030342.
Malignant hyperthermia, susceptibility to, 5 (MHS5). Also called: CACNA1S-Related Malignant Hyperthermia Susceptibility. Identifiers: Orphanet 423, MedGen C1866077, MONDO:0011163, OMIM 601887.
Hypokalemic periodic paralysis, type 1. Also called: HypoPP; Hypokalemic Periodic Paralysis Type 1 (AD). Identifiers: Orphanet 681, MedGen C3714580, MONDO:0042979, OMIM 170400.

Allele frequency attached by ClinVar (database versions not stated): gnomAD exomes below 0.00001 and 0.00003; ExAC 0.00001; TOPMed 0.00001.
gnomAD v4.1: 41 of 1,613,888 alleles (0.0025%); highest among the groups gnomAD compares: Non-Finnish European, 0.0034%; no homozygotes.

Submissions (4):

Labcorp Genetics (formerly Invitae), Labcorp
Classification: Likely benign for Hypokalemic periodic paralysis, type 1; Malignant hyperthermia, susceptibility to, 5. Last evaluated: 2025-10-13. Review status: criteria provided, single submitter. Criteria: Invitae Variant Classification Sherloc (09022015). Collection method: clinical testing. Allele origin: germline.

Ambry Genetics
Classification: Uncertain significance for Inborn genetic diseases. Last evaluated: 2025-04-11. Review status: criteria provided, single submitter. Criteria: Ambry Variant Classification Scheme 2023. Collection method: clinical testing. Allele origin: germline.

GeneDx
Classification: Uncertain significance. Last evaluated: 2025-03-21. Review status: criteria provided, single submitter. Criteria: GeneDx Variant Classification Process June 2021. Collection method: clinical testing. Allele origin: germline. Affected: yes.
Comment: Not observed at significant frequency in large population cohorts (gnomAD); In silico analysis supports that this missense variant has a deleterious effect on protein structure/function; Has not been previously published as pathogenic or benign to our knowledge

Color Diagnostics, LLC DBA Color Health
Classification: Uncertain significance for Malignant hyperthermia, susceptibility to, 5. Last evaluated: 2024-03-06. Review status: criteria provided, single submitter. Criteria: ACMG Guidelines, 2015. Collection method: clinical testing. Allele origin: germline.
Comment: This missense variant replaces lysine with glutamine at codon 1437 of the CACNA1S protein. Computational prediction suggests that this variant may have deleterious impact on protein structure and function. To our knowledge, functional studies have not been reported for this variant. This variant has not been reported in individuals affected with CACNA1S-related disorders in the literature. This variant has been identified in 1/250824 chromosomes in the general population by the Genome Aggregation Database (gnomAD). The available evidence is insufficient to determine the role of this variant in disease conclusively. Therefore, this variant is classified as a Variant of Uncertain Significance.